The following is an entry in ClinVar:

ClinVar aggregate classification (germline): Uncertain significance (1 of 4 stars; one submission).

Conditions:
Gnathodiaphyseal dysplasia (GDD). Also called: GNATHODIAPHYSEAL SCLEROSIS; OSTEOGENESIS IMPERFECTA WITH UNUSUAL SKELETAL LESIONS. Identifiers: Orphanet 53697, MedGen C1833736, MONDO:0008151, OMIM 166260.
Autosomal recessive limb-girdle muscular dystrophy type 2L (LGMDR12). Also called: MUSCULAR DYSTROPHY, LIMB-GIRDLE, AUTOSOMAL RECESSIVE 12; Limb-girdle muscular dystrophy, type 2L; Limb-Girdle Muscular Dystrophy R12 Anoctamin-5-Related (LGMD-R12). Identifiers: Orphanet 206549, MedGen C1969785, MONDO:0012652, OMIM 611307.

Allele frequency attached by ClinVar (database versions not stated): gnomAD exomes below 0.00001; gnomAD 0.00001; 1000 Genomes Project 30x 0.00016; 1000 Genomes Project 0.00020.
gnomAD v4.1: 4 of 1,613,418 alleles (0.00025%); highest among the groups gnomAD compares: Non-Finnish European, 0.00034%; no homozygotes.

Submission:

Labcorp Genetics (formerly Invitae), Labcorp
Classification: Uncertain significance for Autosomal recessive limb-girdle muscular dystrophy type 2L; Gnathodiaphyseal dysplasia. Last evaluated: 2022-03-07. Review status: criteria provided, single submitter. Criteria: Invitae Variant Classification Sherloc (09022015). Collection method: clinical testing. Allele origin: germline.
Comment: In summary, the available evidence is currently insufficient to determine the role of this variant in disease. Therefore, it has been classified as a Variant of Uncertain Significance. This sequence change replaces threonine, which is neutral and polar, with isoleucine, which is neutral and non-polar, at codon 770 of the ANO5 protein (p.Thr770Ile). This variant is not present in population databases (gnomAD no frequency). This variant has not been reported in the literature in individuals affected with ANO5-related conditions. Advanced modeling of protein sequence and biophysical properties (such as structural, functional, and spatial information, amino acid conservation, physicochemical variation, residue mobility, and thermodynamic stability) performed at Invitae indicates that this missense variant is not expected to disrupt ANO5 protein function.

NM_213599.3(ANO5):c.2309C>T (p.Thr770Ile)

Gene: ANO5 (anoctamin 5; plus strand). Cytogenetic location: 11p14.3.
Variant type: single nucleotide variant.
Coding change: c.2309C>T on transcript NM_213599.3 (MANE Select); coding-DNA position 2309, C replaced by T.
Protein change: p.Thr770Ile; replaces threonine 770 with isoleucine.
Molecular consequence: missense variant.
Genome position (GRCh38, 1-based): chr11:22,274,642, C>T. VCF-style: chr11-22274642-C-T. GRCh37 (hg19) VCF-style: chr11-22296188-C-T.
Other names: c.2306C>T, p.Thr769Ile (NM_001142649.2); c.2267C>T, p.Thr756Ile (NM_001410963.1); c.2264C>T, p.Thr755Ile (NM_001410964.1); short protein forms T756I, T769I, T770I, T755I.
Identifiers: ClinVar variation 2015407 (VCV002015407.4), dbSNP rs199932439, ClinGen allele CA218777056.